The following is an entry in ClinVar:

NM_201384.3(PLEC):c.12510G>A (p.Glu4170=)

Gene: PLEC (plectin; minus strand). Cytogenetic location: 8q24.3.
Variant type: single nucleotide variant.
Coding change: c.12510G>A on transcript NM_201384.3 (MANE Select); coding-DNA position 12510, G replaced by A.
Protein change: p.Glu4170=; no amino-acid change (glutamic acid 4170 retained).
Molecular consequence: synonymous variant.
Genome position (GRCh38, 1-based): chr8:143,917,311, C>T on the plus strand (G>A on the coding strand, the complement: PLEC is on the minus strand). VCF-style: chr8-143917311-C-T. GRCh37 (hg19) VCF-style: chr8-144991479-C-T.
Other names: c.12591G>A, p.Glu4197= (NM_000445.5); c.12468G>A, p.Glu4156= (NM_201378.4); c.12444G>A, p.Glu4148= (NM_201379.3); c.12921G>A, p.Glu4307= (NM_201380.4); c.12414G>A, p.Glu4138= (NM_201381.3); c.12510G>A, p.Glu4170= (NM_201382.4); c.12522G>A, p.Glu4174= (NM_201383.3).
Identifiers: ClinVar variation 744634 (VCV000744634.9), dbSNP rs1431982353, ClinGen allele CA463526970.

ClinVar aggregate classification (germline): Likely benign. Review status: criteria provided, multiple submitters, no conflicts (2 of 4 stars). 2 submissions from 2 submitters: Likely benign (2). Last evaluated 2025-12-12.

Conditions:
Epidermolysis bullosa simplex 5B, with muscular dystrophy (EBS5B). Also called: Epidermolysis bullosa simplex with muscular dystrophy; EPIDERMOLYSIS BULLOSA SIMPLEX AND LIMB-GIRDLE MUSCULAR DYSTROPHY. Identifiers: Orphanet 257, MedGen C2931072, MONDO:0009181, OMIM 226670.
Epidermolysis bullosa simplex with nail dystrophy (EBS5D). Identifiers: MedGen C4225309, MONDO:0014661, OMIM 616487.
Autosomal recessive limb-girdle muscular dystrophy type 2Q (LGMDR17). Also called: MUSCULAR DYSTROPHY, LIMB-GIRDLE, AUTOSOMAL RECESSIVE 17. Identifiers: Orphanet 254361, MedGen C3150989, MONDO:0013390, OMIM 613723.
Epidermolysis bullosa simplex 5C, with pyloric atresia (EBS5C). Also called: PLEC-Related Epidermolysis Bullosa with Pyloric Atresia; Epidermolysis bullosa simplex with pyloric atresia; PLEC1-Related Epidermolysis Bullosa with Pyloric Atresia. Identifiers: Orphanet 158684, MedGen C2677349, MONDO:0012807, OMIM 612138.
Epidermolysis bullosa simplex, Ogna type (EBS5A). Also called: Pidermolysis bullosa simplex 5A, Ogna type; EPIDERMOLYSIS BULLOSA SIMPLEX 5A, OGNA TYPE. Identifiers: Orphanet 79401, MedGen C0432317, MONDO:0007555, OMIM 131950.
PLEC-related disorder. Also called: PLEC-related disorders; PLEC-related condition.

Allele frequency attached by ClinVar (database versions not stated): gnomAD exomes 0.00001; gnomAD 0.00002; TOPMed 0.00004.

Submissions (2):

PreventionGenetics, part of Exact Sciences
Classification: Likely benign for PLEC-related condition. Last evaluated: 2025-12-12. Review status: criteria provided, single submitter. Criteria: ACMG Guidelines, 2015. Collection method: clinical testing. Allele origin: germline.
Comment: This variant is classified as likely benign based on ACMG/AMP sequence variant interpretation guidelines (Richards et al. 2015 PMID: 25741868, with internal and published modifications).

Labcorp Genetics (formerly Invitae), Labcorp
Classification: Likely benign for Autosomal recessive limb-girdle muscular dystrophy type 2Q; Epidermolysis bullosa simplex, Ogna type; Epidermolysis bullosa simplex with nail dystrophy; Epidermolysis bullosa simplex 5C, with pyloric atresia; Epidermolysis bullosa simplex 5B, with muscular dystrophy. Last evaluated: 2024-02-07. Review status: criteria provided, single submitter. Criteria: Invitae Variant Classification Sherloc (09022015). Collection method: clinical testing. Allele origin: germline.